The following is an entry in ClinVar:

ClinVar aggregate classification (germline): Uncertain significance (1 of 4 stars; one submission).

Submission:

Labcorp Genetics (formerly Invitae), Labcorp
Classification: Uncertain significance. Last evaluated: 2022-11-28. Review status: criteria provided, single submitter. Criteria: Invitae Variant Classification Sherloc (09022015). Collection method: clinical testing. Allele origin: germline.
Comment: This sequence change replaces cysteine, which is neutral and slightly polar, with arginine, which is basic and polar, at codon 313 of the TNNI3K protein (p.Cys313Arg). This variant is not present in population databases (gnomAD no frequency). This variant has not been reported in the literature in individuals affected with TNNI3K-related conditions. Advanced modeling of protein sequence and biophysical properties (such as structural, functional, and spatial information, amino acid conservation, physicochemical variation, residue mobility, and thermodynamic stability) performed at Invitae indicates that this missense variant is not expected to disrupt TNNI3K protein function. In summary, the available evidence is currently insufficient to determine the role of this variant in disease. Therefore, it has been classified as a Variant of Uncertain Significance.

NM_015978.3(TNNI3K):c.937T>C (p.Cys313Arg)

Genes: FPGT-TNNI3K (FPGT-TNNI3K readthrough; plus strand), TNNI3K (TNNI3 interacting kinase; plus strand). Cytogenetic location: 1p31.1.
Variant type: single nucleotide variant.
Coding change: c.937T>C on transcript NM_015978.3 (MANE Select); coding-DNA position 937, T replaced by C.
Protein change: p.Cys313Arg; replaces cysteine 313 with arginine.
Molecular consequence: missense variant.
Genome position (GRCh38, 1-based): chr1:74,353,270, T>C. VCF-style: chr1-74353270-T-C. GRCh37 (hg19) VCF-style: chr1-74818954-T-C.
Other names: c.1240T>C, p.Cys414Arg (NM_001112808.3, NM_001199327.2); short protein forms C313R, C414R.
Identifiers: ClinVar variation 2816510 (VCV002816510.3), dbSNP rs2524408406, ClinGen allele CA340783499.